The following is an entry in ClinVar:

ClinVar aggregate classification (germline): Conflicting classifications of pathogenicity. Review status: criteria provided, conflicting classifications (1 of 4 stars). 2 submissions from 2 submitters: Uncertain significance (1); Likely benign (1). Last evaluated 2026-08-01.

Allele frequency attached by ClinVar (database versions not stated): gnomAD 0.00001; TOPMed 0.00001; ExAC 0.00002.
gnomAD v4.1: 23 of 1,614,084 alleles (0.0014%); highest among the groups gnomAD compares: Middle Eastern, 0.049%; no homozygotes.

Submissions (2):

CeGaT Center for Human Genetics Tuebingen
Classification: Uncertain significance. Last evaluated: 2026-08-01. Review status: criteria provided, single submitter. Criteria: CeGaT Center For Human Genetics Tuebingen Variant Classification Criteria Version 2. Collection method: clinical testing. Allele origin: germline. Affected: yes. Observed: 1 variant allele.
Comment: SLCO2A1: PM2, BP4

Labcorp Genetics (formerly Invitae), Labcorp
Classification: Likely benign. Last evaluated: 2023-07-12. Review status: criteria provided, single submitter. Criteria: Invitae Variant Classification Sherloc (09022015). Collection method: clinical testing. Allele origin: germline.

NM_005630.3(SLCO2A1):c.234+8G>A

Gene: SLCO2A1 (solute carrier organic anion transporter family member 2A1; minus strand). Cytogenetic location: 3q22.1.
Variant type: single nucleotide variant.
Coding change: c.234+8G>A on transcript NM_005630.3 (MANE Select); 8 bases into the intron after coding-DNA position 234, G replaced by A.
Molecular consequence: intron variant.
Genome position (GRCh38, 1-based): chr3:133,979,473, C>T on the plus strand (G>A on the coding strand, the complement: SLCO2A1 is on the minus strand). VCF-style: chr3-133979473-C-T. GRCh37 (hg19) VCF-style: chr3-133698317-C-T.
Identifiers: ClinVar variation 2769135 (VCV002769135.4), dbSNP rs747153224, ClinGen allele CA2626901.